The following is an entry in ClinVar:

NM_005431.2(XRCC2):c.308G>C (p.Ser103Thr)

Gene: XRCC2 (X-ray repair cross complementing 2; minus strand). Cytogenetic location: 7q36.1.
Variant type: single nucleotide variant.
Coding change: c.308G>C on transcript NM_005431.2 (MANE Select); coding-DNA position 308, G replaced by C.
Protein change: p.Ser103Thr; replaces serine 103 with threonine.
Molecular consequence: missense variant.
Genome position (GRCh38, 1-based): chr7:152,649,177, C>G on the plus strand (G>C on the coding strand, the complement: XRCC2 is on the minus strand). VCF-style: chr7-152649177-C-G. GRCh37 (hg19) VCF-style: chr7-152346262-C-G.
Other names: short protein forms S103T.
Identifiers: ClinVar variation 2996557 (VCV002996557.3), dbSNP rs1377283975, ClinGen allele CA370198988.

ClinVar aggregate classification (germline): Uncertain significance (1 of 4 stars; one submission).

Submission:

Labcorp Genetics (formerly Invitae), Labcorp
Classification: Uncertain significance. Last evaluated: 2023-06-16. Review status: criteria provided, single submitter. Criteria: Invitae Variant Classification Sherloc (09022015). Collection method: clinical testing. Allele origin: germline.
Comment: In summary, the available evidence is currently insufficient to determine the role of this variant in disease. Therefore, it has been classified as a Variant of Uncertain Significance. An algorithm developed to predict the effect of missense changes on protein structure and function (PolyPhen-2) suggests that this variant is likely to be disruptive. This variant has not been reported in the literature in individuals affected with XRCC2-related conditions. This variant is not present in population databases (gnomAD no frequency). This sequence change replaces serine, which is neutral and polar, with threonine, which is neutral and polar, at codon 103 of the XRCC2 protein (p.Ser103Thr).